The following is an entry in ClinVar:

NM_001010867.4(IBA57):c.664C>G (p.His222Asp)

Gene: IBA57 (iron-sulfur cluster assembly factor IBA57; plus strand). Cytogenetic location: 1q42.13.
Variant type: single nucleotide variant.
Coding change: c.664C>G on transcript NM_001010867.4 (MANE Select); coding-DNA position 664, C replaced by G.
Protein change: p.His222Asp; replaces histidine 222 with aspartic acid.
Molecular consequence: missense variant.
Genome position (GRCh38, 1-based): chr1:228,175,014, C>G. VCF-style: chr1-228175014-C-G. GRCh37 (hg19) VCF-style: chr1-228362715-C-G.
Other names: c.85C>G, p.His29Asp (NM_001310327.2); short protein forms H222D, H29D.
Identifiers: ClinVar variation 429652 (VCV000429652.6), dbSNP rs1131691510, ClinGen allele CA345114287.
Genomic context (GRCh38, chr1:228,175,014, plus strand): 5'-GATGAAGGCCCAGCCCTGGTGCCCGGGGGCCGGCTCGGGGACTTGTGGGATTATCACCAG[C>G]ACCGATACCTGCAAGGTATGGGTGGGGTGGGCACGCTGGGCTGGATTGCACGGGTGGAGC-3'
Protein context (NP_001010867.1, residues 212-232): RLGDLWDYHQ[His222Asp]RYLQGVPEGV

ClinVar aggregate classification (germline): Uncertain significance. Review status: criteria provided, multiple submitters, no conflicts (2 of 4 stars). 2 submissions from 2 submitters: Uncertain significance (2). Last evaluated 2022-03-09.

Conditions:
Multiple mitochondrial dysfunctions syndrome 3 (MMDS3). Identifiers: Orphanet 363424, MedGen C3809165, MONDO:0014132, OMIM 615330.
Hereditary spastic paraplegia 74. Also called: Spastic paraplegia 74, autosomal recessive. Identifiers: Orphanet 468661, MedGen C5568837, MONDO:0014644, OMIM 616451.

Allele frequency attached by ClinVar (database versions not stated): gnomAD exomes below 0.00001; TOPMed 0.00002.

Submissions (2):

Labcorp Genetics (formerly Invitae), Labcorp
Classification: Uncertain significance for Multiple mitochondrial dysfunctions syndrome 3; Hereditary spastic paraplegia 74. Last evaluated: 2022-03-09. Review status: criteria provided, single submitter. Criteria: Invitae Variant Classification Sherloc (09022015). Collection method: clinical testing. Allele origin: germline.
Comment: This variant has not been reported in the literature in individuals affected with IBA57-related conditions. This variant is not present in population databases (gnomAD no frequency). This sequence change replaces histidine, which is basic and polar, with aspartic acid, which is acidic and polar, at codon 222 of the IBA57 protein (p.His222Asp). ClinVar contains an entry for this variant (Variation ID: 429652). In summary, the available evidence is currently insufficient to determine the role of this variant in disease. Therefore, it has been classified as a Variant of Uncertain Significance. Algorithms developed to predict the effect of missense changes on protein structure and function (SIFT, PolyPhen-2, Align-GVGD) all suggest that this variant is likely to be tolerated.

GeneDx
Classification: Uncertain significance. Last evaluated: 2017-05-12. Review status: criteria provided, single submitter. Criteria: GeneDx Variant Classification (06012015). Collection method: clinical testing. Allele origin: germline. Affected: yes.
Comment: The H222D variant in the IBA57 gene has not been reported previously as a pathogenic variant, nor as a benign variant, to our knowledge. The H222D variant is not observed in large population cohorts (Lek et al., 2016; 1000 Genomes Consortium et al., 2015; Exome Variant Server). The H222D variant is a non-conservative amino acid substitution, which is likely to impact secondary protein structure as these residues differ in polarity, charge, size and/or other properties. This substitution occurs at a position that is conserved in mammals. In silico analysis predicts this variant is probably damaging to the protein structure/function. We interpret H222D as a variant of uncertain significance.